The following is an entry in ClinVar:

ClinVar aggregate classification (germline): Likely benign (0 of 4 stars; one submission).

Conditions:
FMN2-related disorder. Also called: FMN2-related condition.

Submission:

PreventionGenetics, part of Exact Sciences
Classification: Likely benign for FMN2-related condition. Last evaluated: 2022-06-14. Review status: no assertion criteria provided. Collection method: clinical testing. Allele origin: germline.
Comment: This variant is classified as likely benign based on ACMG/AMP sequence variant interpretation guidelines (Richards et al. 2015 PMID: 25741868, with internal and published modifications).

NM_020066.5(FMN2):c.3234C>T (p.Pro1078=)

Gene: FMN2 (formin 2; plus strand). Cytogenetic location: 1q43.
Variant type: single nucleotide variant.
Coding change: c.3234C>T on transcript NM_020066.5 (MANE Select); coding-DNA position 3234, C replaced by T.
Protein change: p.Pro1078=; no amino-acid change (proline 1078 retained).
Molecular consequence: synonymous variant. On other transcripts: intron variant (1).
Genome position (GRCh38, 1-based): chr1:240,208,046, C>T. VCF-style: chr1-240208046-C-T. GRCh37 (hg19) VCF-style: chr1-240371346-C-T.
Other names: c.3246C>T, p.Pro1082= (NM_001305424.2); c.1986+19784C>T (NM_001348094.2).
Identifiers: ClinVar variation 3045542 (VCV003045542.2), dbSNP rs2527049355, ClinGen allele CA424385581.